The following is an entry in ClinVar:

NM_006035.4(CDC42BPB):c.132G>A (p.Ser44=)

Gene: CDC42BPB (CDC42 binding protein kinase beta; minus strand). Cytogenetic location: 14q32.32.
Variant type: single nucleotide variant.
Coding change: c.132G>A on transcript NM_006035.4 (MANE Select); coding-DNA position 132, G replaced by A.
Protein change: p.Ser44=; no amino-acid change (serine 44 retained).
Molecular consequence: synonymous variant.
Genome position (GRCh38, 1-based): chr14:103,057,042, C>T on the plus strand (G>A on the coding strand, the complement: CDC42BPB is on the minus strand). VCF-style: chr14-103057042-C-T. GRCh37 (hg19) VCF-style: chr14-103523379-C-T.
Other names: c.132G>A, p.Ser44= (NM_001411054.1).
Identifiers: ClinVar variation 4534005 (VCV004534005.6).
Genomic context (GRCh38, chr14:103,057,042, plus strand): 5'-TGCCGGCGCGCACTTACCCCACTCGAGGAACTCGGCCACGTACTTGTCGCGGCGCAGGGC[C>T]GAGTGGCTGCACTCGGTGTACAGGCAGACGAGCACGTCGAGCAGCGTTTCCACGCTCAGG-3'
Protein context (NP_006026.3, residues 34-54): LVCLYTECSH[Ser44=]ALRRDKYVAE

ClinVar aggregate classification (germline): Likely benign (1 of 4 stars; one submission).

gnomAD v4.1: 18 of 1,516,886 alleles (0.0012%); highest among the groups gnomAD compares: South Asian, 0.022%; 1 homozygote.

Submission:

CeGaT Center for Human Genetics Tuebingen
Classification: Likely benign. Last evaluated: 2025-12-01. Review status: criteria provided, single submitter. Criteria: CeGaT Center For Human Genetics Tuebingen Variant Classification Criteria Version 2. Collection method: clinical testing. Allele origin: germline. Affected: yes. Observed: 1 variant allele.
Comment: CDC42BPB: BP4, BP7